The following is an entry in ClinVar:

NM_003322.6(TULP1):c.99+5G>A

Gene: TULP1 (TUB like protein 1; minus strand). Cytogenetic location: 6p21.31.
Variant type: single nucleotide variant.
Coding change: c.99+5G>A on transcript NM_003322.6 (MANE Select); 5 bases into the intron after coding-DNA position 99, G replaced by A.
Molecular consequence: intron variant.
Genome position (GRCh38, 1-based): chr6:35,512,634, C>T on the plus strand (G>A on the coding strand, the complement: TULP1 is on the minus strand). VCF-style: chr6-35512634-C-T. GRCh37 (hg19) VCF-style: chr6-35480411-C-T.
Other names: c.99+5G>A (NM_001289395.2).
Identifiers: ClinVar variation 1461479 (VCV001461479.6), dbSNP rs1761234573, ClinGen allele CA2573140332.

ClinVar aggregate classification (germline): Uncertain significance. Review status: criteria provided, multiple submitters, no conflicts (2 of 4 stars). 2 submissions from 2 submitters: Uncertain significance (2). Last evaluated 2024-10-23.

Submissions (2):

Labcorp Genetics (formerly Invitae), Labcorp
Classification: Uncertain significance. Last evaluated: 2024-10-23. Review status: criteria provided, single submitter. Criteria: Invitae Variant Classification Sherloc (09022015). Collection method: clinical testing. Allele origin: germline.
Comment: This sequence change falls in intron 2 of the TULP1 gene. It does not directly change the encoded amino acid sequence of the TULP1 protein. It affects a nucleotide within the consensus splice site. This variant is not present in population databases (gnomAD no frequency). This variant has not been reported in the literature in individuals affected with TULP1-related conditions. ClinVar contains an entry for this variant (Variation ID: 1461479). Variants that disrupt the consensus splice site are a relatively common cause of aberrant splicing (PMID: 17576681, 9536098). Algorithms developed to predict the effect of sequence changes on RNA splicing suggest that this variant is not likely to affect RNA splicing. In summary, the available evidence is currently insufficient to determine the role of this variant in disease. Therefore, it has been classified as a Variant of Uncertain Significance.

Blueprint Genetics
Classification: Uncertain significance. Last evaluated: 2021-12-21. Review status: criteria provided, single submitter. Criteria: ACMG Guidelines, 2015. Collection method: clinical testing. Allele origin: germline.

Literature cited by the submitters: PubMed 17576681 (cited by Labcorp Genetics (formerly Invitae), Labcorp); PubMed 9536098 (cited by Labcorp Genetics (formerly Invitae), Labcorp).